The following is an entry in ClinVar:

NC_000013.10:g.(?_32971015)_(32971201_?)del

Gene: BRCA2 (BRCA2 DNA repair associated; plus strand). Cytogenetic location: 13q13.1.
Variant type: Deletion.
Identifiers: ClinVar variation 2422264 (VCV002422264.6).

ClinVar aggregate classification (germline): Uncertain significance (1 of 4 stars; one submission).

Conditions:
Hereditary breast ovarian cancer syndrome. Also called: Hereditary breast and ovarian cancer syndrome; Hereditary breast and ovarian cancer; Hereditary breast and/or ovarian cancer syndrome; Hereditary breast and ovarian cancer syndrome (HBOC); Breast and ovarian cancer; BRCA1- and BRCA2-Associated Hereditary Breast and Ovarian Cancer. Identifiers: Orphanet 145, MedGen C0677776, MeSH D061325, MONDO:0003582. Disease mechanism: loss of function.

Submission:

Labcorp Genetics (formerly Invitae), Labcorp
Classification: Uncertain significance for Hereditary breast ovarian cancer syndrome. Last evaluated: 2022-02-03. Review status: criteria provided, single submitter. Criteria: Invitae Variant Classification Sherloc (09022015). Collection method: clinical testing. Allele origin: germline.
Comment: This variant is a gross deletion of the genomic region encompassing exon(s) 26 of the BRCA2 gene. This variant would be expected to be in-frame, preserving the integrity of the reading frame. A similar copy number variant has been observed in individual(s) with breast cancer (PMID: 30630528). Experimental studies and prediction algorithms are not available or were not evaluated, and the functional significance of this variant is currently unknown. In summary, the available evidence is currently insufficient to determine the role of this variant in disease. Therefore, it has been classified as a Variant of Uncertain Significance.

Literature cited by the submitters: PubMed 30630528.